The following is an entry in ClinVar:

NM_001258392.3(CLPB):c.995G>A (p.Arg332Gln)

Gene: CLPB (ClpB family mitochondrial disaggregase; minus strand). Cytogenetic location: 11q13.4.
Variant type: single nucleotide variant.
Coding change: c.995G>A on transcript NM_001258392.3 (MANE Select); coding-DNA position 995, G replaced by A.
Protein change: p.Arg332Gln; replaces arginine 332 with glutamine.
Molecular consequence: missense variant.
Genome position (GRCh38, 1-based): chr11:72,308,598, C>T on the plus strand (G>A on the coding strand, the complement: CLPB is on the minus strand). VCF-style: chr11-72308598-C-T. GRCh37 (hg19) VCF-style: chr11-72019642-C-T.
Other names: c.908G>A, p.Arg303Gln (NM_001258393.3); c.950G>A, p.Arg317Gln (NM_001258394.3); c.1085G>A, p.Arg362Gln (NM_030813.6); short protein forms R303Q, R317Q, R332Q, R362Q.
Identifiers: ClinVar variation 2440149 (VCV002440149.6), dbSNP rs759536311, ClinGen allele CA6171298.
Genomic context (GRCh38, chr11:72,308,598, plus strand): 5'-GATCCCAAGAAGAGGAAGACCAGAGGGTGTTCTTCATCGTACCAGCCATTCTCCTTCCTC[C>T]GGATCGCTACGGCCAAACACACAAGATCAGGGGACAGGGAGGGAGGCAGATAAATCAATG-3'
Protein context (NP_001245321.1, residues 322-342): SAIATVGAAI[Arg332Gln]RKENGWYDEE

ClinVar aggregate classification (germline): Uncertain significance. Review status: criteria provided, multiple submitters, no conflicts (2 of 4 stars). 2 submissions from 2 submitters: Uncertain significance (2). Last evaluated 2023-06-09.

Conditions:
3-methylglutaconic aciduria, type VIIB (MGCA7B). Also called: 3-methylglutaconic aciduria with cataracts, neurologic involvement and neutropenia; CLPB Deficiency; 3-methylglutaconic aciduria, type VII, with cataracts, neurologic involvement and neutropenia. Identifiers: Orphanet 445038, MedGen C5676893, MONDO:0014561, OMIM 616271.

Allele frequency attached by ClinVar (database versions not stated): ExAC 0.00001; gnomAD exomes 0.00001.
gnomAD v4.1: 13 of 1,614,034 alleles (0.00081%); highest among the groups gnomAD compares: East Asian, 0.0022%; no homozygotes.

Submissions (2):

Labcorp Genetics (formerly Invitae), Labcorp
Classification: Uncertain significance for 3-methylglutaconic aciduria, type VIIB. Last evaluated: 2023-06-09. Review status: criteria provided, single submitter. Criteria: Invitae Variant Classification Sherloc (09022015). Collection method: clinical testing. Allele origin: germline.
Comment: An algorithm developed to predict the effect of missense changes on protein structure and function (PolyPhen-2) suggests that this variant is likely to be disruptive. In summary, the available evidence is currently insufficient to determine the role of this variant in disease. Therefore, it has been classified as a Variant of Uncertain Significance. ClinVar contains an entry for this variant (Variation ID: 2440149). This missense change has been observed in individual(s) with 3-methylglutaconic aciduria (PMID: 32219827, 32820519). This variant is present in population databases (rs759536311, gnomAD 0.002%). This sequence change replaces arginine, which is basic and polar, with glutamine, which is neutral and polar, at codon 362 of the CLPB protein (p.Arg362Gln).

Revvity Omics, Revvity
Classification: Uncertain significance. Last evaluated: 2019-09-12. Review status: criteria provided, single submitter. Criteria: ACMG Guidelines, 2015. Collection method: clinical testing. Allele origin: germline.

Literature cited by the submitters: PubMed 32219827 (cited by Labcorp Genetics (formerly Invitae), Labcorp); PubMed 32820519 (cited by Labcorp Genetics (formerly Invitae), Labcorp).